The following is an entry in ClinVar:

NC_000016.9:g.(?_2089925)_(2121627_?)dup

Genes: NTHL1 (nth like DNA glycosylase 1; minus strand), TSC2 (TSC complex subunit 2; plus strand). Cytogenetic location: 16p13.3.
Variant type: Duplication.
Identifiers: ClinVar variation 3243464 (VCV003243464.1).

ClinVar aggregate classification (germline): Uncertain significance (1 of 4 stars; one submission).

Conditions:
Tuberous sclerosis 2 (TSC2). Identifiers: Orphanet 805, MedGen C1860707, MONDO:0013199, OMIM 613254.

Submission:

Labcorp Genetics (formerly Invitae), Labcorp
Classification: Uncertain significance for Tuberous sclerosis 2. Last evaluated: 2023-03-19. Review status: criteria provided, single submitter. Criteria: Invitae Variant Classification Sherloc (09022015). Collection method: clinical testing. Allele origin: unknown.
Comment: In summary, the available evidence is currently insufficient to determine the role of this variant in disease. Therefore, it has been classified as a Variant of Uncertain Significance. This variant has not been reported in the literature in individuals affected with TSC2-related conditions. This variant results in a copy number gain of the genomic region encompassing exon(s) 1-18 of the TSC2 gene. This region includes the initiator codon of the gene. This copy number gain extends beyond the assayed region for this gene and therefore may encompass additional genes. As the precise location of this event is unknown, it may be in tandem or it may be located elsewhere in the genome.